The following is an entry in ClinVar:

NM_000027.4(AGA):c.132G>A (p.Trp44Ter)

Gene: AGA (aspartylglucosaminidase; minus strand). Cytogenetic location: 4q34.3.
Variant type: single nucleotide variant.
Coding change: c.132G>A on transcript NM_000027.4 (MANE Select); coding-DNA position 132, G replaced by A.
Protein change: p.Trp44Ter; replaces tryptophan 44 with a stop codon.
Molecular consequence: nonsense. On other transcripts: non-coding transcript variant (1).
Genome position (GRCh38, 1-based): chr4:177,440,422, C>T on the plus strand (G>A on the coding strand, the complement: AGA is on the minus strand). VCF-style: chr4-177440422-C-T. GRCh37 (hg19) VCF-style: chr4-178361576-C-T.
Other names: c.132G>A, p.Trp44Ter (NM_001171988.2); short protein forms W44*.
Identifiers: ClinVar variation 4875055 (VCV004875055.2).
Genomic context (GRCh38, chr4:177,440,422, plus strand): 5'-ACACATGGCACAGCCGCTCTCCACTGCATCCAGGGCAGAGCCTCCAGATGCTAATGCCCT[C>T]CACGCTGTTAATCAAATCCCAATAATGCTTGTTTATATATATATTTTTTTTTCAATGCCA-3'

ClinVar aggregate classification (germline): Pathogenic (1 of 4 stars; one submission).

gnomAD v4.1: 1 of 1,613,868 alleles (0.000062%); highest among the groups gnomAD compares: Non-Finnish European, 0.000085%; no homozygotes.

Submission:

CeGaT Center for Human Genetics Tuebingen
Classification: Pathogenic. Last evaluated: 2026-06-01. Review status: criteria provided, single submitter. Criteria: CeGaT Center For Human Genetics Tuebingen Variant Classification Criteria Version 2. Collection method: clinical testing. Allele origin: germline. Affected: yes. Observed: 1 variant allele.
Comment: AGA: PVS1, PM2